The following is an entry in ClinVar:

ClinVar aggregate classification (germline): Uncertain significance (1 of 4 stars; one submission).

Submission:

Labcorp Genetics (formerly Invitae), Labcorp
Classification: Uncertain significance. Last evaluated: 2022-08-12. Review status: criteria provided, single submitter. Criteria: Invitae Variant Classification Sherloc (09022015). Collection method: clinical testing. Allele origin: germline.
Comment: This sequence change replaces serine, which is neutral and polar, with asparagine, which is neutral and polar, at codon 281 of the ARMC9 protein (p.Ser281Asn). This variant is present in population databases (no rsID available, gnomAD 1.1%). This variant has not been reported in the literature in individuals affected with ARMC9-related conditions. ClinVar contains an entry for this variant (Variation ID: 963733). Experimental studies and prediction algorithms are not available or were not evaluated, and the functional significance of this variant is currently unknown. In summary, the available evidence is currently insufficient to determine the role of this variant in disease. Therefore, it has been classified as a Variant of Uncertain Significance.

NM_001352754.2(ARMC9):c.842_843delinsAT (p.Ser281Asn)

Gene: ARMC9 (armadillo repeat containing 9; plus strand). Cytogenetic location: 2q37.1.
Variant type: Indel.
Coding change: c.842_843delinsAT on transcript NM_001352754.2 (MANE Select); coding-DNA positions 842 to 843, GC replaced by AT.
Protein change: p.Ser281Asn; replaces serine 281 with asparagine.
Molecular consequence: missense variant. On other transcripts: non-coding transcript variant (1), intron variant (2).
Genome position (GRCh38, 1-based): chr2:231,240,004-231,240,005, GC replaced by AT. VCF-style: chr2-231240004-GC-AT. GRCh37 (hg19) VCF-style: chr2-232104717-GC-AT.
Other names: c.842_843delinsAT, p.Ser281Asn (NM_001271466.4, NM_001291656.2, NM_001352755.2 and 3 more transcripts); c.780+4623_780+4624delinsAT (NM_001352757.2, NM_001352758.2); short protein forms S281N.
Identifiers: ClinVar variation 963733 (VCV000963733.5), dbSNP rs2036136806, ClinGen allele CA1139657769.